The following is an entry in ClinVar:

NM_000264.5(PTCH1):c.779A>C (p.Asp260Ala)

Gene: PTCH1 (patched 1; minus strand). Cytogenetic location: 9q22.32.
Variant type: single nucleotide variant.
Coding change: c.779A>C on transcript NM_000264.5 (MANE Select); coding-DNA position 779, A replaced by C.
Protein change: p.Asp260Ala; replaces aspartic acid 260 with alanine.
Molecular consequence: missense variant. On other transcripts: non-coding transcript variant (1).
Genome position (GRCh38, 1-based): chr9:95,480,556, T>G on the plus strand (A>C on the coding strand, the complement: PTCH1 is on the minus strand). VCF-style: chr9-95480556-T-G. GRCh37 (hg19) VCF-style: chr9-98242838-T-G.
Other names: c.581A>C, p.Asp194Ala (NM_001083602.3); c.776A>C, p.Asp259Ala (NM_001083603.3); c.326A>C, p.Asp109Ala (NM_001083604.3, NM_001083605.3, NM_001083606.3 and 1 more transcripts); c.779A>C, p.Asp260Ala (NM_001354918.2); short protein forms D194A, D259A, D109A, D260A.
Identifiers: ClinVar variation 951737 (VCV000951737.13), dbSNP rs368102115, ClinGen allele CA5138839.

ClinVar aggregate classification (germline): Conflicting classifications of pathogenicity. Review status: criteria provided, conflicting classifications (1 of 4 stars). 2 submissions from 2 submitters: Uncertain significance (1); Likely benign (1). Last evaluated 2025-05-23.

Conditions:
Hereditary cancer-predisposing syndrome. Also called: Hereditary neoplastic syndrome; Tumor predisposition; Neoplastic Syndromes, Hereditary; Hereditary Cancer Syndrome. Identifiers: Orphanet 140162, MedGen C0027672, MeSH D009386, MONDO:0015356.
Gorlin syndrome. Also called: Basal cell nevus syndrome; Nevoid Basal Cell Carcinoma Syndrome. Identifiers: Orphanet 377, MedGen C0004779, MONDO:0007187.

Allele frequency attached by ClinVar (database versions not stated): gnomAD exomes below 0.00001; ExAC 0.00001; TOPMed 0.00001; ESP Exome Variant Server 0.00008.
gnomAD v4.1: 4 of 1,613,496 alleles (0.00025%); highest among the groups gnomAD compares: Non-Finnish European, 0.00034%; no homozygotes.

Submissions (2):

Ambry Genetics
Classification: Uncertain significance for Hereditary cancer-predisposing syndrome. Last evaluated: 2025-05-23. Review status: criteria provided, single submitter. Criteria: Ambry Variant Classification Scheme 2023. Collection method: clinical testing. Allele origin: germline.
Comment: The p.D260A variant (also known as c.779A>C), located in coding exon 6 of the PTCH1 gene, results from an A to C substitution at nucleotide position 779. The aspartic acid at codon 260 is replaced by alanine, an amino acid with dissimilar properties. This alteration was detected in a study of 1046 familial CRC cases and 1006 unrelated controls (Raskin L et al. Oncotarget, 2017 Nov;8:93450-93463). This amino acid position is highly conserved in available vertebrate species. In addition, this alteration is predicted to be deleterious by in silico analysis. Based on the available evidence, the clinical significance of this variant remains unclear.

Labcorp Genetics (formerly Invitae), Labcorp
Classification: Likely benign for Gorlin syndrome. Last evaluated: 2023-07-17. Review status: criteria provided, single submitter. Criteria: Invitae Variant Classification Sherloc (09022015). Collection method: clinical testing. Allele origin: germline.

Literature cited by the submitters: PubMed 29212164 (cited by Ambry Genetics).